The following is an entry in ClinVar:

NM_004977.3(KCNC3):c.871-13_871-10del

Gene: KCNC3 (potassium voltage-gated channel subfamily C member 3; minus strand). Cytogenetic location: 19q13.33.
Variant type: Microsatellite.
Coding change: c.871-13_871-10del on transcript NM_004977.3 (MANE Select); 13 bases into the intron before coding-DNA position 871 through 10 bases into the intron before coding-DNA position 871, 4 bases deleted (CCCT; older notation c.871-13_871-10delCCCT).
Molecular consequence: intron variant.
Genome position (GRCh38, 1-based): chr19:50,324,092-50,324,095, AGGG deleted on the plus strand (CCCT on the coding strand, the reverse complement: KCNC3 is on the minus strand); deleting any 4 consecutive bases within chr19:50,324,092-50,324,101 gives the same sequence; the c. name uses the placement nearest the transcript's 3' end. VCF-style (leftmost placement, unchanged base first): chr19-50324091-CAGGG-C. GRCh37 (hg19) VCF-style: chr19-50827348-CAGGG-C.
Other names: c.871-13_871-10del (NM_004977.2); c.643-13_643-10del (NM_001372305.1); c.871-13_871-10delCCCT (NM_004977.2).
Identifiers: ClinVar variation 1589587 (VCV001589587.11), dbSNP rs528774297, ClinGen allele CA9594331.
Genomic context (GRCh38, chr19:50,324,091, plus strand): 5'-AGAAGGTGGTGATGGAGATGAGGATGAAGAAGAGGGAGGCGAAGGCCACATACTGCAGGG[CAGGG>C]AGGGAGAGAGAGGGGGAGAGGTGACCTAGGCATCAGGTTGGCCATAACATCCAGAAGACC-3'

ClinVar aggregate classification (germline): Benign/Likely benign. Review status: criteria provided, multiple submitters, no conflicts (2 of 4 stars). 3 submissions from 3 submitters: Benign (1); Likely benign (1). 1 of the submissions does not count toward it. Last evaluated 2025-09-24.

Conditions:
KCNC3-related disorder. Also called: KCNC3-related condition.

Submissions (3):

Athena Diagnostics
Classification: Benign. Last evaluated: 2025-09-24. Review status: criteria provided, single submitter. Criteria: Athena Diagnostics Criteria. Collection method: clinical testing. Allele origin: unknown.
Comment: The frequency of this variant in the general population is higher than would generally be expected for pathogenic variants in this gene. Computational tools yielded predictions that this variant is unlikely to have an effect on normal RNA splicing.

Labcorp Genetics (formerly Invitae), Labcorp
Classification: Likely benign. Last evaluated: 2025-06-04. Review status: criteria provided, single submitter. Criteria: Invitae Variant Classification Sherloc (09022015). Collection method: clinical testing. Allele origin: germline.

PreventionGenetics, part of Exact Sciences
Classification: Likely benign for KCNC3-related condition. Last evaluated: 2021-01-20. Review status: no assertion criteria provided. Collection method: clinical testing. Allele origin: germline. Not counted in ClinVar's aggregate classification.
Comment: This variant is classified as likely benign based on ACMG/AMP sequence variant interpretation guidelines (Richards et al. 2015 PMID: 25741868, with internal and published modifications).